The following is an entry in ClinVar:

NM_004655.4(AXIN2):c.1599G>A (p.Ala533=)

Gene: AXIN2 (axin 2; minus strand). Cytogenetic location: 17q24.1.
Variant type: single nucleotide variant.
Coding change: c.1599G>A on transcript NM_004655.4 (MANE Select); coding-DNA position 1599, G replaced by A.
Protein change: p.Ala533=; no amino-acid change (alanine 533 retained).
Molecular consequence: synonymous variant.
Genome position (GRCh38, 1-based): chr17:65,537,437, C>T on the plus strand (G>A on the coding strand, the complement: AXIN2 is on the minus strand). VCF-style: chr17-65537437-C-T. GRCh37 (hg19) VCF-style: chr17-63533555-C-T.
Other names: c.1599G>A, p.Ala533= (NM_001363813.1); c.1599G>A (LRG_296t1).
Identifiers: ClinVar variation 239992 (VCV000239992.17), dbSNP rs188003998, ClinGen allele CA8718605.

ClinVar aggregate classification (germline): Benign/Likely benign. Review status: criteria provided, multiple submitters, no conflicts (2 of 4 stars). 7 submissions from 7 submitters: Benign (1); Likely benign (6). Last evaluated 2025-10-14.

Conditions:
AXIN2-related disorder.
Hereditary cancer-predisposing syndrome. Also called: Neoplastic Syndromes, Hereditary; Hereditary neoplastic syndrome; Hereditary Cancer Syndrome; Tumor predisposition. Identifiers: Orphanet 140162, MedGen C0027672, MeSH D009386, MONDO:0015356.
Oligodontia-cancer predisposition syndrome. Also called: TOOTH AGENESIS-COLORECTAL CANCER SYNDROME. Identifiers: Orphanet 300576, MedGen C1837750, MONDO:0012075, OMIM 608615. Disease mechanism: loss of function.

Allele frequency attached by ClinVar (database versions not stated): TOPMed 0.00002; gnomAD exomes 0.00003.
gnomAD v4.1: 38 of 1,614,004 alleles (0.0024%); highest among the groups gnomAD compares: South Asian, 0.035%; no homozygotes.

Submissions (7):

Labcorp Genetics (formerly Invitae), Labcorp
Classification: Likely benign for Oligodontia-cancer predisposition syndrome. Last evaluated: 2025-10-14. Review status: criteria provided, single submitter. Criteria: Invitae Variant Classification Sherloc (09022015). Collection method: clinical testing. Allele origin: germline.

PreventionGenetics, part of Exact Sciences
Classification: Likely benign for AXIN2-related condition. Last evaluated: 2025-10-08. Review status: criteria provided, single submitter. Criteria: ACMG Guidelines, 2015. Collection method: clinical testing. Allele origin: germline.
Comment: This variant is classified as likely benign based on ACMG/AMP sequence variant interpretation guidelines (Richards et al. 2015 PMID: 25741868, with internal and published modifications).

Myriad Genetics, Inc.
Classification: Benign for Oligodontia-cancer predisposition syndrome. Last evaluated: 2024-07-05. Review status: criteria provided, single submitter. Criteria: Myriad Autosomal Dominant, Autosomal Recessive and X-Linked Classification Criteria (2023). Collection method: clinical testing. Allele origin: unknown.
Comment: This variant is considered benign. This variant is a silent/synonymous amino acid change and it is not expected to impact splicing.

KCCC/NGS Laboratory, Kuwait Cancer Control Center
Classification: Likely benign for Oligodontia-cancer predisposition syndrome. Last evaluated: 2023-07-07. Review status: criteria provided, single submitter. Criteria: ACMG Guidelines, 2015. Collection method: clinical testing. Allele origin: germline. Affected: yes.

Sema4
Classification: Likely benign for Hereditary cancer-predisposing syndrome. Last evaluated: 2021-10-26. Review status: criteria provided, single submitter. Criteria: Sema4 Curation Guidelines. Collection method: curation. Allele origin: germline.

Ambry Genetics
Classification: Likely benign for Hereditary cancer-predisposing syndrome. Last evaluated: 2020-11-06. Review status: criteria provided, single submitter. Criteria: Ambry Variant Classification Scheme 2023. Collection method: clinical testing. Allele origin: germline.

GeneDx
Classification: Likely benign. Last evaluated: 2016-01-07. Review status: criteria provided, single submitter. Criteria: GeneDx Variant Classification (06012015). Collection method: clinical testing. Allele origin: germline. Affected: yes.
Comment: This variant is considered likely benign or benign based on one or more of the following criteria: it is a conservative change, it occurs at a poorly conserved position in the protein, it is predicted to be benign by multiple in silico algorithms, and/or has population frequency not consistent with disease.